The following is an entry in ClinVar:

NM_001042472.3(ABHD12):c.354G>T (p.Gln118His)

Gene: ABHD12 (abhydrolase domain containing 12, lysophospholipase; minus strand). Cytogenetic location: 20p11.21.
Variant type: single nucleotide variant.
Coding change: c.354G>T on transcript NM_001042472.3 (MANE Select); coding-DNA position 354, G replaced by T.
Protein change: p.Gln118His; replaces glutamine 118 with histidine.
Molecular consequence: missense variant.
Genome position (GRCh38, 1-based): chr20:25,323,393, C>A on the plus strand (G>T on the coding strand, the complement: ABHD12 is on the minus strand). VCF-style: chr20-25323393-C-A. GRCh37 (hg19) VCF-style: chr20-25304029-C-A.
Other names: c.354G>T, p.Gln118His (NM_015600.5); short protein forms Q118H.
Identifiers: ClinVar variation 4756041 (VCV004756041.1).

ClinVar aggregate classification (germline): Uncertain significance (1 of 4 stars; one submission).

gnomAD v4.1: 12 of 1,614,000 alleles (0.00074%); highest among the groups gnomAD compares: Non-Finnish European, 0.001%; no homozygotes.

Submission:

GeneDx
Classification: Uncertain significance. Last evaluated: 2025-08-09. Review status: criteria provided, single submitter. Criteria: GeneDx Variant Classification Process June 2021. Collection method: clinical testing. Allele origin: germline. Affected: yes.
Comment: Not observed at significant frequency in large population cohorts (gnomAD); In silico analysis suggests that this missense variant does not alter protein structure/function; Has not been previously published as pathogenic or benign to our knowledge